The following is an entry in ClinVar:

ClinVar aggregate classification (germline): Conflicting classifications of pathogenicity. Review status: criteria provided, conflicting classifications (1 of 4 stars). 2 submissions from 2 submitters: Uncertain significance (1); Benign (1). Last evaluated 2024-10-28.

Conditions:
Hereditary cancer-predisposing syndrome. Also called: Tumor predisposition; Hereditary neoplastic syndrome; Hereditary Cancer Syndrome; Neoplastic Syndromes, Hereditary. Identifiers: Orphanet 140162, MedGen C0027672, MeSH D009386, MONDO:0015356.
Gastrointestinal stromal tumor. Also called: Gastrointestinal stroma tumor; Gastrointestinal stromal tumor, somatic. Identifiers: Orphanet 44890, MedGen C0238198, MeSH D046152, MONDO:0011719, OMIM 606764, HP:0100723.

gnomAD v4.1: 9 of 1,613,774 alleles (0.00056%); highest among the groups gnomAD compares: East Asian, 0.016%; no homozygotes.

Submissions (2):

Ambry Genetics
Classification: Benign for Hereditary cancer-predisposing syndrome. Last evaluated: 2024-10-28. Review status: criteria provided, single submitter. Criteria: Ambry Variant Classification Scheme 2023. Collection method: clinical testing. Allele origin: germline.

Labcorp Genetics (formerly Invitae), Labcorp
Classification: Uncertain significance for Gastrointestinal stromal tumor. Last evaluated: 2024-06-15. Review status: criteria provided, single submitter. Criteria: Invitae Variant Classification Sherloc (09022015). Collection method: clinical testing. Allele origin: germline.
Comment: This sequence change replaces isoleucine, which is neutral and non-polar, with leucine, which is neutral and non-polar, at codon 989 of the PDGFRA protein (p.Ile989Leu). This variant is present in population databases (rs145019788, gnomAD 0.04%). This variant has not been reported in the literature in individuals affected with PDGFRA-related conditions. ClinVar contains an entry for this variant (Variation ID: 528553). Advanced modeling of protein sequence and biophysical properties (such as structural, functional, and spatial information, amino acid conservation, physicochemical variation, residue mobility, and thermodynamic stability) performed at Invitae indicates that this missense variant is not expected to disrupt PDGFRA protein function with a negative predictive value of 80%. In summary, the available evidence is currently insufficient to determine the role of this variant in disease. Therefore, it has been classified as a Variant of Uncertain Significance.

NM_006206.6(PDGFRA):c.2965A>C (p.Ile989Leu)

Gene: PDGFRA (platelet derived growth factor receptor alpha; plus strand). Cytogenetic location: 4q12.
Variant type: single nucleotide variant.
Coding change: c.2965A>C on transcript NM_006206.6 (MANE Select); coding-DNA position 2965, A replaced by C.
Protein change: p.Ile989Leu; replaces isoleucine 989 with leucine.
Molecular consequence: missense variant.
Genome position (GRCh38, 1-based): chr4:54,290,397, A>C. VCF-style: chr4-54290397-A-C. GRCh37 (hg19) VCF-style: chr4-55156564-A-C.
Other names: c.3040A>C, p.Ile1014Leu (NM_001347828.2); c.2965A>C, p.Ile989Leu (NM_001347829.2); c.3004A>C, p.Ile1002Leu (NM_001347830.2); short protein forms I989L, I1002L, I1014L.
Identifiers: ClinVar variation 528553 (VCV000528553.13), dbSNP rs145019788, ClinGen allele CA2923002.